The following is an entry in ClinVar:

NM_182476.3(COQ6):c.298+168C>A

Gene: COQ6 (coenzyme Q6, monooxygenase; plus strand). Cytogenetic location: 14q24.3.
Variant type: single nucleotide variant.
Coding change: c.298+168C>A on transcript NM_182476.3 (MANE Select); 168 bases into the intron after coding-DNA position 298, C replaced by A.
Molecular consequence: intron variant.
Genome position (GRCh38, 1-based): chr14:73,953,737, C>A. VCF-style: chr14-73953737-C-A. GRCh37 (hg19) VCF-style: chr14-74420440-C-A.
Other names: c.223+168C>A (NM_182480.3).
Identifiers: ClinVar variation 670021 (VCV000670021.2), dbSNP rs17094182, ClinGen allele CA15804376.

ClinVar aggregate classification (germline): Benign. Review status: criteria provided, multiple submitters, no conflicts (2 of 4 stars). 2 submissions from 2 submitters: Benign (2). Last evaluated 2018-06-14.

Allele frequency attached by ClinVar (database versions not stated): gnomAD 0.07354; TOPMed 0.08370; 1000 Genomes Project 30x 0.14350; 1000 Genomes Project 0.14836.
gnomAD v4.1: 54,707 of 822,286 alleles (6.7%); highest among the groups gnomAD compares: East Asian, 32%; 3,835 homozygotes.

Submissions (2):

GeneDx
Classification: Benign. Last evaluated: 2018-06-14. Review status: criteria provided, single submitter. Criteria: GeneDx Variant Classification (06012015). Collection method: clinical testing. Allele origin: germline. Affected: yes.
Comment: This variant is considered likely benign or benign based on one or more of the following criteria: it is a conservative change, it occurs at a poorly conserved position in the protein, it is predicted to be benign by multiple in silico algorithms, and/or has population frequency not consistent with disease.

Breakthrough Genomics
Classification: Benign. Review status: criteria provided, single submitter. Criteria: ACMG Guidelines, 2015. Collection method: not provided. Allele origin: germline. Inheritance: Autosomal recessive inheritance. Affected: yes.